The following is an entry in ClinVar:

ClinVar aggregate classification (germline): Pathogenic. Review status: reviewed by expert panel (3 of 4 stars). 8 submissions from 8 submitters: Pathogenic (1). 7 of the submissions do not count toward it. Last evaluated 2017-03-17.

Conditions:
Cystic fibrosis (CF). Also called: MUCOVISCIDOSIS. Identifiers: Orphanet 586, MedGen C0010674, MONDO:0009061, OMIM 219700. Disease mechanism: loss of function.
CFTR-related disorder (CFTR-RD). Also called: CFTR-related condition; CFTR-related disorders. Identifiers: MedGen C5924204, MONDO:7770004.
Bronchiectasis with or without elevated sweat chloride 1 (BESC1). Also called: Cystic Fibrosis-Like Syndrome. Identifiers: Orphanet 60033, MedGen C2749757, MONDO:0008887, OMIM 211400.

Allele frequency attached by ClinVar (database versions not stated): gnomAD 0.00001; TOPMed below 0.00001.

Submissions (8):

CFTR2
Classification: Pathogenic for Cystic fibrosis. Last evaluated: 2017-03-17. Review status: reviewed by expert panel. Criteria: Sosnay PR et al. (Nat Genet 2013). Collection method: research. Allele origin: germline. Affected: yes. Study: CFTR2.

Natera, Inc.
Classification: Pathogenic for CFTR-related disorders. Last evaluated: 2025-11-17. Review status: criteria provided, single submitter. Criteria: Natera Variant Classification Schema (03/2026). Collection method: clinical testing. Allele origin: germline. Not counted in ClinVar's aggregate classification.
Comment: The c.1081delT variant in CFTR is a frameshift variant predicted to shift the reading frame beginning at codon 361 and leads to a stop codon 8 codons downstream. This variant is expected to result in nonsense mediated decay, truncation, or a dysfunctional protein product. This variant is rare in the general population with a frequency below the threshold expected for the associated phenotype(s). This variant has been observed in one or more individuals affected with the associated recessive disease, as either homozygous or compound heterozygous with a second variant (PMID: 29212596). Given the available evidence, this variant is classified as Pathogenic.

Labcorp Genetics (formerly Invitae), Labcorp
Classification: Pathogenic for Cystic fibrosis. Last evaluated: 2025-11-05. Review status: criteria provided, single submitter. Criteria: Invitae Variant Classification Sherloc (09022015). Collection method: clinical testing. Allele origin: germline. Not counted in ClinVar's aggregate classification.
Comment: This sequence change creates a premature translational stop signal (p.Trp361Glyfs*8) in the CFTR gene. It is expected to result in an absent or disrupted protein product. Loss-of-function variants in CFTR are known to be pathogenic (PMID: 1695717, 7691345, 9725922). This variant is not present in population databases (gnomAD no frequency). This premature translational stop signal has been observed in individual(s) with cystic fibrosis (PMID: 1990834, 23974870). This variant is also known as 1213delT. ClinVar contains an entry for this variant (Variation ID: 7135). Algorithms developed to predict the effect of sequence changes on RNA splicing suggest that this variant may disrupt the consensus splice site. For these reasons, this variant has been classified as Pathogenic.

Johns Hopkins Genomics, Johns Hopkins University
Classification: Pathogenic for Cystic fibrosis. Last evaluated: 2024-02-29. Review status: criteria provided, single submitter. Criteria: ACMG Guidelines, 2015. Collection method: clinical testing. Allele origin: germline. Not counted in ClinVar's aggregate classification.
Comment: Disease-causing CFTR variant. See CFTR2 for phenotype information.

Baylor Genetics
Classification: Pathogenic for Bronchiectasis with or without elevated sweat chloride 1. Last evaluated: 2024-02-19. Review status: criteria provided, single submitter. Criteria: ACMG Guidelines, 2015. Collection method: clinical testing. Allele origin: unknown. Not counted in ClinVar's aggregate classification.

Women's Health and Genetics/Laboratory Corporation of America, LabCorp
Classification: Pathogenic for Cystic fibrosis. Last evaluated: 2020-09-21. Review status: criteria provided, single submitter. Criteria: LabCorp Variant Classification Summary - May 2015. Collection method: clinical testing. Allele origin: germline. Not counted in ClinVar's aggregate classification.
Comment: Variant summary: CFTR c.1081delT (p.Trp361GlyfsX8) results in a premature termination codon, predicted to cause a truncation of the encoded protein or absence of the protein due to nonsense mediated decay, which are commonly known mechanisms for disease. Truncations downstream of this position have been classified as pathogenic by our laboratory. The variant was absent in 251020 control chromosomes (gnomAD). c.1081delT has been reported in the literature in multiple individuals affected with Cystic Fibrosis (Iannuzzi_1991, Sosnay_2013). These data indicate that the variant is very likely to be associated with disease. To our knowledge, no experimental evidence demonstrating an impact on protein function has been reported. Two ClinVar submitters, including one expert panel (CFTR2), (evaluation after 2014) cite the variant as pathogenic. Based on the evidence outlined above, the variant was classified as pathogenic.

CFTR-France
Classification: Pathogenic for cystic fibrosis; CFTR-related disorders. Last evaluated: 2018-01-29. Review status: criteria provided, single submitter. Criteria: Claustres M et al. (Hum Mutat 2017). Collection method: curation. Allele origin: germline. Affected: yes. Not counted in ClinVar's aggregate classification.
Comment: the variant causes a phenotype but regarding our data, we can't formally attribute it to CF, CFTR-RD or both

OMIM
Classification: Pathogenic for CYSTIC FIBROSIS. Last evaluated: 1991-02-01. Review status: no assertion criteria provided. Collection method: literature only. Allele origin: germline. Not counted in ClinVar's aggregate classification.

Literature cited by the submitters: PubMed 29212596 (cited by Natera, Inc.); PubMed 1695717 (cited by Labcorp Genetics (formerly Invitae), Labcorp); PubMed 7691345 (cited by Labcorp Genetics (formerly Invitae), Labcorp); PubMed 9725922 (cited by Labcorp Genetics (formerly Invitae), Labcorp); PubMed 1990834 (cited by 3 submitters); PubMed 23974870 (cited by Labcorp Genetics (formerly Invitae), Labcorp and Women's Health and Genetics/Laboratory Corporation of America, LabCorp).

NM_000492.4(CFTR):c.1081del (p.Trp361fs)

Gene: CFTR (CF transmembrane conductance regulator; plus strand). Cytogenetic location: 7q31.2.
Variant type: Deletion.
Coding change: c.1081del on transcript NM_000492.4 (MANE Select); coding-DNA position 1081, one base deleted (T; older notation c.1081delT).
Protein change: p.Trp361fs; shifts the reading frame from tryptophan 361.
Molecular consequence: frameshift variant.
Genome position (GRCh38, 1-based): chr7:117,540,311, T deleted. VCF-style (leftmost placement, unchanged base first): chr7-117540310-AT-A. GRCh37 (hg19) VCF-style: chr7-117180364-AT-A.
Other names: 1213delT; c.1081delT (NM_000492.3); short protein forms W361fs.
Identifiers: ClinVar variation 7135 (VCV000007135.16), dbSNP rs387906361, ClinGen allele CA325533.